The following is an entry in ClinVar:

ClinVar aggregate classification (germline): Uncertain significance (1 of 4 stars; one submission).

Submission:

Labcorp Genetics (formerly Invitae), Labcorp
Classification: Uncertain significance. Last evaluated: 2021-05-20. Review status: criteria provided, single submitter. Criteria: Invitae Variant Classification Sherloc (09022015). Collection method: clinical testing. Allele origin: germline.
Comment: In summary, the available evidence is currently insufficient to determine the role of this variant in disease. Therefore, it has been classified as a Variant of Uncertain Significance. Algorithms developed to predict the effect of missense changes on protein structure and function are either unavailable or do not agree on the potential impact of this missense change (SIFT: "Tolerated"; PolyPhen-2: "Probably Damaging"; Align-GVGD: "Class C0"). This variant has not been reported in the literature in individuals with CCND2-related conditions. This variant is not present in population databases (ExAC no frequency). This sequence change replaces glutamic acid with lysine at codon 248 of the CCND2 protein (p.Glu248Lys). The glutamic acid residue is highly conserved and there is a small physicochemical difference between glutamic acid and lysine.

NM_001759.4(CCND2):c.742G>A (p.Glu248Lys)

Gene: CCND2 (cyclin D2; plus strand). Cytogenetic location: 12p13.32.
Variant type: single nucleotide variant.
Coding change: c.742G>A on transcript NM_001759.4 (MANE Select); coding-DNA position 742, G replaced by A.
Protein change: p.Glu248Lys; replaces glutamic acid 248 with lysine.
Molecular consequence: missense variant.
Genome position (GRCh38, 1-based): chr12:4,299,881, G>A. VCF-style: chr12-4299881-G-A. GRCh37 (hg19) VCF-style: chr12-4409047-G-A.
Other names: short protein forms E248K.
Identifiers: ClinVar variation 1525086 (VCV001525086.8), dbSNP rs2120593078, ClinGen allele CA383413527.